The following is an entry in ClinVar:

ClinVar aggregate classification (germline): Uncertain significance (1 of 4 stars; one submission).

Conditions:
Myoclonic dystonia 11 (DYT11). Also called: Myoclonic dystonia; Dystonia 11; Dystonia, alcohol responsive; Hereditary essential myoclonus; SGCE Myoclonus-Dystonia; Myoclonus-Dystonia. Identifiers: Orphanet 36899, MedGen C1834570, MONDO:0008044, OMIM 159900.

Submission:

Labcorp Genetics (formerly Invitae), Labcorp
Classification: Uncertain significance for Myoclonic dystonia 11. Last evaluated: 2025-06-17. Review status: criteria provided, single submitter. Criteria: Invitae Variant Classification Sherloc (09022015). Collection method: clinical testing. Allele origin: germline.
Comment: This sequence change replaces aspartic acid, which is acidic and polar, with tyrosine, which is neutral and polar, at codon 47 of the SGCE protein (p.Asp47Tyr). This variant is not present in population databases (gnomAD no frequency). This variant has not been reported in the literature in individuals affected with SGCE-related conditions. ClinVar contains an entry for this variant (Variation ID: 2837882). Invitae Evidence Modeling of protein sequence and biophysical properties (such as structural, functional, and spatial information, amino acid conservation, physicochemical variation, residue mobility, and thermodynamic stability) indicates that this missense variant is not expected to disrupt SGCE protein function with a negative predictive value of 80%. In summary, the available evidence is currently insufficient to determine the role of this variant in disease. Therefore, it has been classified as a Variant of Uncertain Significance.

NM_003919.3(SGCE):c.139G>T (p.Asp47Tyr)

Genes: CASD1 (CAS1 domain sialic acid O acetyltransferase 1; plus strand), SGCE (sarcoglycan epsilon; minus strand). Cytogenetic location: 7q21.3.
Variant type: single nucleotide variant.
Coding change: c.139G>T on transcript NM_003919.3 (MANE Select); coding-DNA position 139, G replaced by T.
Protein change: p.Asp47Tyr; replaces aspartic acid 47 with tyrosine.
Molecular consequence: missense variant. On other transcripts: 5 prime UTR variant (2), intron variant (2).
Genome position (GRCh38, 1-based): chr7:94,629,812, C>A on the plus strand (G>T on the coding strand, the complement: SGCE is on the minus strand). VCF-style: chr7-94629812-C-A. GRCh37 (hg19) VCF-style: chr7-94259124-C-A.
Other names: c.139G>T, p.Asp47Tyr (NM_001099401.2, NM_001346717.2, NM_001099400.2); c.247G>T, p.Asp83Tyr (NM_001346713.2, NM_001346715.2); c.52G>T, p.Asp18Tyr (NM_001346719.2, NM_001362807.2); c.-135G>T (NM_001346720.2, NM_001362808.2); c.110-1453G>T (NM_001362809.2, NM_001301139.2); short protein forms D18Y, D47Y, D83Y.
Identifiers: ClinVar variation 2837882 (VCV002837882.3), dbSNP rs199787155, ClinGen allele CA368239587.